The following is an entry in ClinVar:

NC_000002.11:g.(?_220434923)_(220435954_?)del

Gene: OBSL1 (obscurin like cytoskeletal adaptor 1; minus strand). Cytogenetic location: 2q35.
Variant type: Deletion.
Identifiers: ClinVar variation 2426136 (VCV002426136.4).

ClinVar aggregate classification (germline): Pathogenic (1 of 4 stars; one submission).

Submission:

Labcorp Genetics (formerly Invitae), Labcorp
Classification: Pathogenic. Last evaluated: 2022-08-15. Review status: criteria provided, single submitter. Criteria: Invitae Variant Classification Sherloc (09022015). Collection method: clinical testing. Allele origin: germline.
Comment: For these reasons, this variant has been classified as Pathogenic. This variant has not been reported in the literature in individuals affected with OBSL1-related conditions. This variant is a gross deletion of the genomic region encompassing exon(s) 1 of the OBSL1 gene, which includes the initiator codon. This deletion extends beyond the assayed region for this gene and therefore may encompass additional genes. It is expected to result in an absent or disrupted protein product. Loss-of-function variants in OBSL1 are known to be pathogenic (PMID: 19481195, 19877176).

Literature cited by the submitters: PubMed 19481195; PubMed 19877176.